The following is an entry in ClinVar:

ClinVar aggregate classification (germline): Uncertain significance. Review status: criteria provided, single submitter (1 of 4 stars). 2 submissions from 2 submitters: Uncertain significance (1). 1 of the submissions does not count toward it. Last evaluated 2023-02-21.

Submissions (2):

GeneDx
Classification: Uncertain significance. Last evaluated: 2023-02-21. Review status: criteria provided, single submitter. Criteria: GeneDx Variant Classification Process June 2021. Collection method: clinical testing. Allele origin: germline. Affected: yes.
Comment: Identified in healthy individuals undergoing whole genome sequencing (Bodian 2014); Observed in at least one clinically unaffected adult relative of an individual referred for genetic testing at GeneDx; Not observed in large population cohorts (gnomAD); In silico analysis supports that this missense variant does not alter protein structure/function; This variant is associated with the following publications: (PMID: 24728327)

ITMI
No classification provided. Condition: AllHighlyPenetrant. Last evaluated: 2013-09-19. Review status: no classification provided. Collection method: reference population. Allele origin: germline. Not counted in ClinVar's aggregate classification.
Comment: Please see associated publication for description of ethnicities

Literature cited by the submitters: PubMed 24728327 (cited by ITMI).

NM_003482.4(KMT2D):c.12139G>A (p.Gly4047Arg)

Gene: KMT2D (lysine methyltransferase 2D; minus strand). Cytogenetic location: 12q13.12.
Variant type: single nucleotide variant.
Coding change: c.12139G>A on transcript NM_003482.4 (MANE Select); coding-DNA position 12139, G replaced by A.
Protein change: p.Gly4047Arg; replaces glycine 4047 with arginine.
Molecular consequence: missense variant.
Genome position (GRCh38, 1-based): chr12:49,032,566, C>T on the plus strand (G>A on the coding strand, the complement: KMT2D is on the minus strand). VCF-style: chr12-49032566-C-T. GRCh37 (hg19) VCF-style: chr12-49426349-C-T.
Other names: c.12139G>A (NM_003482.3); short protein forms G4047R.
Identifiers: ClinVar variation 134718 (VCV000134718.2), dbSNP rs587778478, ClinGen allele CA160607.